The following is an entry in ClinVar:

ClinVar aggregate classification (germline): Uncertain significance (1 of 4 stars; one submission).

Conditions:
Parathyroid carcinoma (PRTC). Also called: Parathyroid gland carcinoma; CDC73-Related Parathyroid Carcinoma. Identifiers: Orphanet 143, MedGen C0687150, MONDO:0012004, OMIM 608266, HP:0006780.

Submission:

Labcorp Genetics (formerly Invitae), Labcorp
Classification: Uncertain significance for Parathyroid carcinoma. Last evaluated: 2022-09-14. Review status: criteria provided, single submitter. Criteria: Invitae Variant Classification Sherloc (09022015). Collection method: clinical testing. Allele origin: germline.
Comment: This sequence change replaces asparagine, which is neutral and polar, with aspartic acid, which is acidic and polar, at codon 272 of the CDC73 protein (p.Asn272Asp). This variant is not present in population databases (gnomAD no frequency). This variant has not been reported in the literature in individuals affected with CDC73-related conditions. Advanced modeling of protein sequence and biophysical properties (such as structural, functional, and spatial information, amino acid conservation, physicochemical variation, residue mobility, and thermodynamic stability) performed at Invitae indicates that this missense variant is not expected to disrupt CDC73 protein function. In summary, the available evidence is currently insufficient to determine the role of this variant in disease. Therefore, it has been classified as a Variant of Uncertain Significance.

NM_024529.5(CDC73):c.814A>G (p.Asn272Asp)

Gene: CDC73 (cell division cycle 73; plus strand). Cytogenetic location: 1q31.2.
Variant type: single nucleotide variant.
Coding change: c.814A>G on transcript NM_024529.5 (MANE Select); coding-DNA position 814, A replaced by G.
Protein change: p.Asn272Asp; replaces asparagine 272 with aspartic acid.
Molecular consequence: missense variant.
Genome position (GRCh38, 1-based): chr1:193,147,951, A>G. VCF-style: chr1-193147951-A-G. GRCh37 (hg19) VCF-style: chr1-193117081-A-G.
Other names: short protein forms N272D.
Identifiers: ClinVar variation 1719402 (VCV001719402.6), dbSNP rs2527337024, ClinGen allele CA343964202.